The following is an entry in ClinVar:

ClinVar aggregate classification (germline): Uncertain significance. Review status: criteria provided, multiple submitters, no conflicts (2 of 4 stars). 2 submissions from 2 submitters: Uncertain significance (2). Last evaluated 2024-09-12.

Conditions:
Neuroblastoma, susceptibility to, 3. Also called: ALK-Related Neuroblastic Tumor Susceptibility. Identifiers: Orphanet 635, MedGen C2751681, MONDO:0013083, OMIM 613014.
Hereditary cancer-predisposing syndrome. Also called: Hereditary Cancer Syndrome; Neoplastic Syndromes, Hereditary; Tumor predisposition; Hereditary neoplastic syndrome. Identifiers: Orphanet 140162, MedGen C0027672, MeSH D009386, MONDO:0015356.

Allele frequency attached by ClinVar (database versions not stated): ExAC 0.00001; gnomAD exomes 0.00001.
gnomAD v4.1: 5 of 1,614,086 alleles (0.00031%); highest among the groups gnomAD compares: Non-Finnish European, 0.00042%; no homozygotes.

Submissions (2):

Labcorp Genetics (formerly Invitae), Labcorp
Classification: Uncertain significance for Neuroblastoma, susceptibility to, 3. Last evaluated: 2024-09-12. Review status: criteria provided, single submitter. Criteria: Invitae Variant Classification Sherloc (09022015). Collection method: clinical testing. Allele origin: germline.
Comment: This sequence change replaces proline, which is neutral and non-polar, with leucine, which is neutral and non-polar, at codon 1139 of the ALK protein (p.Pro1139Leu). This variant is present in population databases (rs769855519, gnomAD 0.002%). This variant has not been reported in the literature in individuals affected with ALK-related conditions. ClinVar contains an entry for this variant (Variation ID: 1350664). An algorithm developed to predict the effect of missense changes on protein structure and function (PolyPhen-2) suggests that this variant is likely to be tolerated. In summary, the available evidence is currently insufficient to determine the role of this variant in disease. Therefore, it has been classified as a Variant of Uncertain Significance.

Ambry Genetics
Classification: Uncertain significance for Hereditary cancer-predisposing syndrome. Last evaluated: 2021-07-15. Review status: criteria provided, single submitter. Criteria: Ambry Variant Classification Scheme 2023. Collection method: clinical testing. Allele origin: germline.
Comment: The p.P1139L variant (also known as c.3416C>T), located in coding exon 21 of the ALK gene, results from a C to T substitution at nucleotide position 3416. The proline at codon 1139 is replaced by leucine, an amino acid with similar properties. This amino acid position is well conserved in available vertebrate species. In addition, the in silico prediction for this alteration is inconclusive. Since supporting evidence is limited at this time, the clinical significance of this alteration remains unclear.

NM_004304.5(ALK):c.3416C>T (p.Pro1139Leu)

Gene: ALK (ALK receptor tyrosine kinase; minus strand). Cytogenetic location: 2p23.2.
Variant type: single nucleotide variant.
Coding change: c.3416C>T on transcript NM_004304.5 (MANE Select); coding-DNA position 3416, C replaced by T.
Protein change: p.Pro1139Leu; replaces proline 1139 with leucine.
Molecular consequence: missense variant.
Genome position (GRCh38, 1-based): chr2:29,222,551, G>A on the plus strand (C>T on the coding strand, the complement: ALK is on the minus strand). VCF-style: chr2-29222551-G-A. GRCh37 (hg19) VCF-style: chr2-29445417-G-A.
Other names: c.212C>T, p.Pro71Leu (NM_001353765.2); short protein forms P1139L, P71L.
Identifiers: ClinVar variation 1350664 (VCV001350664.8), dbSNP rs769855519, ClinGen allele CA1593960.
Genomic context (GRCh38, chr2:29,222,551, plus strand): 5'-AGGCTCAAGAGTGAGCCACTTCTTACCTTCACAGCCACTTGCAGGGGGCTTGGGTCGTTG[G>A]GCATTCCGGACACCTGGCCTTCATACACCTCCCCAAAGGCGCCATGGCCCAGACCCCTGT-3'
Protein context (NP_004295.2, residues 1129-1149): EVYEGQVSGM[Pro1139Leu]NDPSPLQVAV